The following is an entry in ClinVar:

ClinVar aggregate classification (germline): Uncertain significance. Review status: criteria provided, multiple submitters, no conflicts (2 of 4 stars). 2 submissions from 2 submitters: Uncertain significance (2). Last evaluated 2022-02-03.

Conditions:
Inborn genetic diseases. Identifiers: MedGen C0950123, MeSH D030342.
Neuronal ceroid lipofuscinosis. Also called: Neuronal Ceroid Lipofuscinoses. Identifiers: Orphanet 216, Orphanet 79263, MedGen C0027877, MONDO:0016295. Disease mechanism: loss of function.

Allele frequency attached by ClinVar (database versions not stated): gnomAD 0.00001; gnomAD exomes 0.00001.
gnomAD v4.1: 7 of 1,613,516 alleles (0.00043%); highest among the groups gnomAD compares: African/African-American, 0.0013%; no homozygotes.

Submissions (2):

Labcorp Genetics (formerly Invitae), Labcorp
Classification: Uncertain significance for Neuronal ceroid lipofuscinosis. Last evaluated: 2022-02-03. Review status: criteria provided, single submitter. Criteria: Invitae Variant Classification Sherloc (09022015). Collection method: clinical testing. Allele origin: germline.
Comment: This sequence change replaces isoleucine, which is neutral and non-polar, with asparagine, which is neutral and polar, at codon 235 of the CLN6 protein (p.Ile235Asn). This variant is present in population databases (no rsID available, gnomAD 0.01%). This variant has not been reported in the literature in individuals affected with CLN6-related conditions. ClinVar contains an entry for this variant (Variation ID: 955163). Algorithms developed to predict the effect of missense changes on protein structure and function are either unavailable or do not agree on the potential impact of this missense change (SIFT: "Deleterious"; PolyPhen-2: "Benign"; Align-GVGD: "Class C0"). In summary, the available evidence is currently insufficient to determine the role of this variant in disease. Therefore, it has been classified as a Variant of Uncertain Significance.

Ambry Genetics
Classification: Uncertain significance for Inborn genetic diseases. Last evaluated: 2019-06-14. Review status: criteria provided, single submitter. Criteria: Ambry Variant Classification Scheme 2023. Collection method: clinical testing. Allele origin: germline.
Comment: The p.I235N variant (also known as c.704T>A), located in coding exon 7 of the CLN6 gene, results from a T to A substitution at nucleotide position 704. The isoleucine at codon 235 is replaced by asparagine, an amino acid with dissimilar properties. This amino acid position is not well conserved in available vertebrate species. In addition, this alteration is predicted to be deleterious by in silico analysis. Since supporting evidence is limited at this time, the clinical significance of this alteration remains unclear.

NM_017882.3(CLN6):c.704T>A (p.Ile235Asn)

Gene: CLN6 (CLN6 transmembrane ER protein; minus strand). Cytogenetic location: 15q23.
Variant type: single nucleotide variant.
Coding change: c.704T>A on transcript NM_017882.3 (MANE Select); coding-DNA position 704, T replaced by A.
Protein change: p.Ile235Asn; replaces isoleucine 235 with asparagine.
Molecular consequence: missense variant.
Genome position (GRCh38, 1-based): chr15:68,208,372, A>T on the plus strand (T>A on the coding strand, the complement: CLN6 is on the minus strand). VCF-style: chr15-68208372-A-T. GRCh37 (hg19) VCF-style: chr15-68500710-A-T.
Other names: short protein forms I235N.
Identifiers: ClinVar variation 955163 (VCV000955163.9), dbSNP rs1469917052, ClinGen allele CA392972227.